The following is an entry in ClinVar:

ClinVar aggregate classification (germline): Uncertain significance (1 of 4 stars; one submission).

Conditions:
Noonan syndrome 9 (NS9). Identifiers: Orphanet 648, MedGen C4225282, MONDO:0014691, OMIM 616559.

Submission:

Labcorp Genetics (formerly Invitae), Labcorp
Classification: Uncertain significance for Noonan syndrome 9. Last evaluated: 2023-10-05. Review status: criteria provided, single submitter. Criteria: Invitae Variant Classification Sherloc (09022015). Collection method: clinical testing. Allele origin: germline.
Comment: This sequence change replaces asparagine, which is neutral and polar, with lysine, which is basic and polar, at codon 520 of the SOS2 protein (p.Asn520Lys). This variant is not present in population databases (gnomAD no frequency). This variant has not been reported in the literature in individuals affected with SOS2-related conditions. Advanced modeling of protein sequence and biophysical properties (such as structural, functional, and spatial information, amino acid conservation, physicochemical variation, residue mobility, and thermodynamic stability) performed at Invitae indicates that this missense variant is not expected to disrupt SOS2 protein function. In summary, the available evidence is currently insufficient to determine the role of this variant in disease. Therefore, it has been classified as a Variant of Uncertain Significance.

NM_006939.4(SOS2):c.1560C>G (p.Asn520Lys)

Gene: SOS2 (SOS Ras/Rho guanine nucleotide exchange factor 2; minus strand). Cytogenetic location: 14q21.3.
Variant type: single nucleotide variant.
Coding change: c.1560C>G on transcript NM_006939.4 (MANE Select); coding-DNA position 1560, C replaced by G.
Protein change: p.Asn520Lys; replaces asparagine 520 with lysine.
Molecular consequence: missense variant.
Genome position (GRCh38, 1-based): chr14:50,159,723, G>C on the plus strand (C>G on the coding strand, the complement: SOS2 is on the minus strand). VCF-style: chr14-50159723-G-C. GRCh37 (hg19) VCF-style: chr14-50626441-G-C.
Other names: c.1461C>G, p.Asn487Lys (NM_001411020.1); short protein forms N487K, N520K.
Identifiers: ClinVar variation 2762652 (VCV002762652.3), dbSNP rs202166643, ClinGen allele CA389645488.